The following is an entry in ClinVar:

ClinVar aggregate classification (germline): Uncertain significance (1 of 4 stars; one submission).

Allele frequency attached by ClinVar (database versions not stated): ExAC 0.00001.
gnomAD v4.1: 23 of 1,610,794 alleles (0.0014%); highest among the groups gnomAD compares: South Asian, 0.0044%; no homozygotes.

Submission:

Labcorp Genetics (formerly Invitae), Labcorp
Classification: Uncertain significance. Last evaluated: 2022-08-19. Review status: criteria provided, single submitter. Criteria: Invitae Variant Classification Sherloc (09022015). Collection method: clinical testing. Allele origin: germline.
Comment: This sequence change replaces arginine, which is basic and polar, with cysteine, which is neutral and slightly polar, at codon 577 of the RGS9 protein (p.Arg577Cys). This variant is present in population databases (rs756410417, gnomAD 0.006%). This variant has not been reported in the literature in individuals affected with RGS9-related conditions. Algorithms developed to predict the effect of missense changes on protein structure and function are either unavailable or do not agree on the potential impact of this missense change (SIFT: "Deleterious"; PolyPhen-2: "Possibly Damaging"; Align-GVGD: "Class C0"). In summary, the available evidence is currently insufficient to determine the role of this variant in disease. Therefore, it has been classified as a Variant of Uncertain Significance.

NM_003835.4(RGS9):c.1729C>T (p.Arg577Cys)

Gene: RGS9 (regulator of G protein signaling 9; plus strand). Cytogenetic location: 17q24.1.
Variant type: single nucleotide variant.
Coding change: c.1729C>T on transcript NM_003835.4 (MANE Select); coding-DNA position 1729, C replaced by T.
Protein change: p.Arg577Cys; replaces arginine 577 with cysteine.
Molecular consequence: missense variant.
Genome position (GRCh38, 1-based): chr17:65,225,323, C>T. VCF-style: chr17-65225323-C-T. GRCh37 (hg19) VCF-style: chr17-63221441-C-T.
Other names: c.1720C>T, p.Arg574Cys (NM_001081955.3); short protein forms R577C, R574C.
Identifiers: ClinVar variation 1925099 (VCV001925099.5), dbSNP rs756410417, ClinGen allele CA8718138.
Genomic context (GRCh38, chr17:65,225,323, plus strand): 5'-AGCGAGGCCTCCCTCGACACCTCCTGGCCTCGCAGCCGGCCCAGGGCCCCTCCTAAGGCC[C>T]GCATGGCTCTGTCCTTCAGCAGGTTTCTGAGACGAGGCTGTCTGGCCTCACCTGTCTTTG-3'
Protein context (NP_003826.2, residues 567-587): RSRPRAPPKA[Arg577Cys]MALSFSRFLR